The following is an entry in ClinVar:

NM_019109.5(ALG1):c.961+1G>T

Gene: ALG1 (ALG1 chitobiosyldiphosphodolichol beta-mannosyltransferase; plus strand). Cytogenetic location: 16p13.3.
Variant type: single nucleotide variant.
Coding change: c.961+1G>T on transcript NM_019109.5 (MANE Select); the canonical splice donor site of the intron after coding-DNA position 961, G replaced by T.
Molecular consequence: splice donor variant.
Genome position (GRCh38, 1-based): chr16:5,079,808, G>T. VCF-style: chr16-5079808-G-T. GRCh37 (hg19) VCF-style: chr16-5129809-G-T.
Other names: c.628+1G>T (NM_001330504.2).
Identifiers: ClinVar variation 3775880 (VCV003775880.1).

ClinVar aggregate classification (germline): Likely pathogenic (1 of 4 stars; one submission).

Conditions:
ALG1-congenital disorder of glycosylation. Also called: CONGENITAL DISORDER OF GLYCOSYLATION, TYPE Ik; ALG1-CDG; CDG Ik. Identifiers: Orphanet 79327, MedGen C2931005, MONDO:0012052, OMIM 608540.

Submission:

3billion
Classification: Likely pathogenic for ALG1-congenital disorder of glycosylation. Last evaluated: 2023-10-26. Review status: criteria provided, single submitter. Criteria: ACMG Guidelines, 2015. Collection method: clinical testing. Allele origin: germline. Affected: yes.
Comment: The variant is not observed in the gnomAD v2.1.1 dataset. Predicted Consequence/Location: Canonical splice site: predicted to alter splicing and result in a loss or disruption of normal protein function. Multiple pathogenic loss-of-function variants are reported downstream of the variant. Therefore, this variant is classified as Likely pathogenic according to the recommendation of ACMG/AMP guideline.